The following is an entry in ClinVar:

ClinVar aggregate classification (germline): Pathogenic (1 of 4 stars; one submission).

Submission:

GeneDx
Classification: Pathogenic. Last evaluated: 2024-12-05. Review status: criteria provided, single submitter. Criteria: GeneDx Variant Classification Process June 2021. Collection method: clinical testing. Allele origin: germline. Affected: yes.
Comment: Frameshift variant predicted to result in protein truncation or nonsense mediated decay in a gene for which loss of function is a known mechanism of disease; Not observed at significant frequency in large population cohorts (gnomAD); Has not been previously published as pathogenic or benign to our knowledge; This variant is associated with the following publications: (PMID: 22335739)

NM_001267550.2(TTN):c.70832del (p.Ala23611fs)

Genes: TTN (titin; minus strand), TTN-AS1 (TTN antisense RNA 1; plus strand). Cytogenetic location: 2q31.2.
Variant type: Deletion.
Coding change: c.70832del on transcript NM_001267550.2 (MANE Select); coding-DNA position 70832, one base deleted (C; older notation c.70832delC).
Protein change: p.Ala23611fs; shifts the reading frame from alanine 23611.
Molecular consequence: frameshift variant.
Genome position (GRCh38, 1-based): chr2:178,575,300, G deleted on the plus strand (C on the coding strand, the reverse complement: TTN is on the minus strand). VCF-style (leftmost placement, unchanged base first): chr2-178575299-CG-C. GRCh37 (hg19) VCF-style: chr2-179440026-CG-C.
Other names: c.65909del, p.Ala21970fs (NM_001256850.1); c.43637del, p.Ala14546fs (NM_003319.4); c.63128del, p.Ala21043fs (NM_133378.4); c.44012del, p.Ala14671fs (NM_133432.3); c.44213del, p.Ala14738fs (NM_133437.4); c.65909delC (NM_001256850.1); c.70832del (NM_001267550.1); short protein forms A14738fs, A21043fs, A21970fs, A23611fs, A14546fs, A14671fs.
Identifiers: ClinVar variation 202462 (VCV000202462.3), dbSNP rs794729335, ClinGen allele CA309424.